The following is an entry in ClinVar:

ClinVar aggregate classification (germline): Likely pathogenic (1 of 4 stars; one submission).

Conditions:
Glycine encephalopathy. Also called: Nonketotic hyperglycinemia; Non-ketotic hyperglycinemia. Identifiers: Orphanet 407, MedGen C0751748, MONDO:0011612, HP:0008288.

Submission:

Labcorp Genetics (formerly Invitae), Labcorp
Classification: Likely pathogenic for Glycine encephalopathy. Last evaluated: 2022-01-21. Review status: criteria provided, single submitter. Criteria: Invitae Variant Classification Sherloc (09022015). Collection method: clinical testing. Allele origin: germline.
Comment: In summary, the currently available evidence indicates that the variant is pathogenic, but additional data are needed to prove that conclusively. Therefore, this variant has been classified as Likely Pathogenic. This variant disrupts the p.Gly763 amino acid residue in GLDC. Other variant(s) that disrupt this residue have been determined to be pathogenic (PMID: 27362913, 28244183). This suggests that this residue is clinically significant, and that variants that disrupt this residue are likely to be disease-causing. Advanced modeling of protein sequence and biophysical properties (such as structural, functional, and spatial information, amino acid conservation, physicochemical variation, residue mobility, and thermodynamic stability) performed at Invitae indicates that this missense variant is expected to disrupt GLDC protein function. This variant has not been reported in the literature in individuals affected with GLDC-related conditions. This variant is not present in population databases (gnomAD no frequency). This sequence change replaces glycine, which is neutral and non-polar, with cysteine, which is neutral and slightly polar, at codon 763 of the GLDC protein (p.Gly763Cys).

Literature cited by the submitters: PubMed 27362913; PubMed 28244183.

NM_000170.3(GLDC):c.2287G>T (p.Gly763Cys)

Gene: GLDC (glycine decarboxylase; minus strand). Cytogenetic location: 9p24.1.
Variant type: single nucleotide variant.
Coding change: c.2287G>T on transcript NM_000170.3 (MANE Select); coding-DNA position 2287, G replaced by T.
Protein change: p.Gly763Cys; replaces glycine 763 with cysteine.
Molecular consequence: missense variant.
Genome position (GRCh38, 1-based): chr9:6,554,697, C>A on the plus strand (G>T on the coding strand, the complement: GLDC is on the minus strand). VCF-style: chr9-6554697-C-A. GRCh37 (hg19) VCF-style: chr9-6554697-C-A.
Other names: short protein forms G763C.
Identifiers: ClinVar variation 2088469 (VCV002088469.4), dbSNP rs2489033590, ClinGen allele CA372880125.